The following is an entry in ClinVar:

ClinVar aggregate classification (germline): Uncertain significance. Review status: criteria provided, multiple submitters, no conflicts (2 of 4 stars). 3 submissions from 3 submitters: Uncertain significance (3). Last evaluated 2025-02-08.

Conditions:
Cardiovascular phenotype. Identifiers: MedGen CN230736.
Arrhythmogenic cardiomyopathy with wooly hair and keratoderma. Also called: PALMOPLANTAR KERATODERMA WITH LEFT VENTRICULAR CARDIOMYOPATHY AND WOOLLY HAIR; Carvajal syndrome; Dilated cardiomyopathy with woolly hair and keratoderma; Arrhythmogenic cardiomyopathy with woolly hair and keratoderma. Identifiers: Orphanet 65282, MedGen C1854063, MONDO:0011581, OMIM 605676.
Arrhythmogenic right ventricular dysplasia 8 (ARVD8). Also called: ARRHYTHMOGENIC RIGHT VENTRICULAR DYSPLASIA, FAMILIAL, 8; ARRHYTHMOGENIC RIGHT VENTRICULAR CARDIOMYOPATHY 8; Arrhythmogenic Right Ventricular Dysplasia/Cardiomyopathy 8. Identifiers: MedGen C1843896, MONDO:0011831, OMIM 607450.

Submissions (3):

Ambry Genetics
Classification: Uncertain significance for Cardiovascular phenotype. Last evaluated: 2025-02-08. Review status: criteria provided, single submitter. Criteria: Ambry Variant Classification Scheme 2023. Collection method: clinical testing. Allele origin: germline.

Labcorp Genetics (formerly Invitae), Labcorp
Classification: Uncertain significance for Arrhythmogenic cardiomyopathy with wooly hair and keratoderma; Arrhythmogenic right ventricular dysplasia 8. Last evaluated: 2025-01-15. Review status: criteria provided, single submitter. Criteria: Invitae Variant Classification Sherloc (09022015). Collection method: clinical testing. Allele origin: germline.
Comment: This sequence change replaces glutamine, which is neutral and polar, with arginine, which is basic and polar, at codon 76 of the DSP protein (p.Gln76Arg). This variant is not present in population databases (gnomAD no frequency). This variant has not been reported in the literature in individuals affected with DSP-related conditions. ClinVar contains an entry for this variant (Variation ID: 651396). An algorithm developed to predict the effect of missense changes on protein structure and function (PolyPhen-2) suggests that this variant is likely to be disruptive. In summary, the available evidence is currently insufficient to determine the role of this variant in disease. Therefore, it has been classified as a Variant of Uncertain Significance.

All of Us Research Program, National Institutes of Health
Classification: Uncertain significance for Arrhythmogenic cardiomyopathy with wooly hair and keratoderma. Last evaluated: 2024-03-06. Review status: criteria provided, single submitter. Criteria: ACMG Guidelines, 2015. Collection method: clinical testing. Allele origin: germline. Inheritance: Autosomal dominant inheritance. Observed: 2 variant alleles, 2 heterozygotes.
Comment: This missense variant replaces glutamine with arginine at codon 76 of the DSP protein. Computational prediction suggests that this variant may not impact protein structure and function (internally defined REVEL score threshold <= 0.5, PMID: 27666373). To our knowledge, functional studies have not been reported for this variant. This variant has not been reported in individuals affected with DSP-related disorders in the literature. This variant has not been identified in the general population by the Genome Aggregation Database (gnomAD). The available evidence is insufficient to determine the role of this variant in disease conclusively. Therefore, this variant is classified as a Variant of Uncertain Significance.

This study involves interpretation of variants in research participants for the purpose of population health screening. Participant phenotype was not available at the time of variant classification. Additional details can be found in publication PMID: 35346344, PMCID: PMC8962531

NM_004415.4(DSP):c.227A>G (p.Gln76Arg)

Gene: DSP (desmoplakin; plus strand). Cytogenetic location: 6p24.3.
Variant type: single nucleotide variant.
Coding change: c.227A>G on transcript NM_004415.4 (MANE Select); coding-DNA position 227, A replaced by G.
Protein change: p.Gln76Arg; replaces glutamine 76 with arginine.
Molecular consequence: missense variant.
Genome position (GRCh38, 1-based): chr6:7,555,774, A>G. VCF-style: chr6-7555774-A-G. GRCh37 (hg19) VCF-style: chr6-7556007-A-G.
Other names: c.227A>G (LRG_423t1); c.227A>G, p.Gln76Arg (NM_001008844.3, NM_001319034.2); short protein forms Q76R.
Identifiers: ClinVar variation 651396 (VCV000651396.12), dbSNP rs1581790962, ClinGen allele CA362670787.